The following is an entry in ClinVar:

ClinVar aggregate classification (germline): Uncertain significance (1 of 4 stars; one submission).

Allele frequency attached by ClinVar (database versions not stated): gnomAD 0.00001; TOPMed 0.00001.

Submission:

Labcorp Genetics (formerly Invitae), Labcorp
Classification: Uncertain significance. Last evaluated: 2022-10-21. Review status: criteria provided, single submitter. Criteria: Invitae Variant Classification Sherloc (09022015). Collection method: clinical testing. Allele origin: germline.
Comment: This sequence change replaces glycine, which is neutral and non-polar, with aspartic acid, which is acidic and polar, at codon 227 of the POU3F3 protein (p.Gly227Asp). The frequency data for this variant in the population databases is considered unreliable, as metrics indicate insufficient coverage at this position in the gnomAD database. This variant has not been reported in the literature in individuals affected with POU3F3-related conditions. Algorithms developed to predict the effect of missense changes on protein structure and function are either unavailable or do not agree on the potential impact of this missense change (SIFT: "Deleterious"; PolyPhen-2: "Probably Damaging"; Align-GVGD: "Class C0"). In summary, the available evidence is currently insufficient to determine the role of this variant in disease. Therefore, it has been classified as a Variant of Uncertain Significance.

NM_006236.3(POU3F3):c.680G>A (p.Gly227Asp)

Gene: POU3F3 (POU class 3 homeobox 3; plus strand). Cytogenetic location: 2q12.1.
Variant type: single nucleotide variant.
Coding change: c.680G>A on transcript NM_006236.3 (MANE Select); coding-DNA position 680, G replaced by A.
Protein change: p.Gly227Asp; replaces glycine 227 with aspartic acid.
Molecular consequence: missense variant.
Genome position (GRCh38, 1-based): chr2:104,856,190, G>A. VCF-style: chr2-104856190-G-A. GRCh37 (hg19) VCF-style: chr2-105472648-G-A.
Other names: short protein forms G227D.
Identifiers: ClinVar variation 2809266 (VCV002809266.3), dbSNP rs1676563772, ClinGen allele CA348097265.